The following is an entry in ClinVar:

Conditions:
Arteriohepatic dysplasia. Also called: Alagille Syndrome. Identifiers: Orphanet 52, MedGen C0085280, MeSH D016738, MONDO:0007318.

Submission:

Gilbert/Spinner Lab, Children's Hospital of Philadelphia
No classification provided (evidence only). Condition: Alagille syndrome. Review status: no classification provided. Collection method: research. Allele origin: not applicable. Functional consequence: functionally_abnormal.
ClinVar note: "not provided" was previously submitted as the classification for the variant. However, the classification appeared to be based only on an observation of functional data so it was converted to no classification on 2025-07-30.

NM_000214.3(JAG1):c.351C>A (p.Arg117=)

Gene: JAG1 (jagged canonical Notch ligand 1; minus strand). Cytogenetic location: 20p12.2.
Variant type: single nucleotide variant.
Coding change: c.351C>A on transcript NM_000214.3 (MANE Select); coding-DNA position 351, C replaced by A.
Protein change: p.Arg117=; no amino-acid change (arginine 117 retained).
Molecular consequence: synonymous variant.
Genome position (GRCh38, 1-based): chr20:10,672,737, G>T on the plus strand (C>A on the coding strand, the complement: JAG1 is on the minus strand). VCF-style: chr20-10672737-G-T. GRCh37 (hg19) VCF-style: chr20-10653385-G-T.
Identifiers: ClinVar variation 3573274 (VCV003573274.2).